The following is an entry in ClinVar:

ClinVar aggregate classification (germline): Conflicting classifications of pathogenicity. Review status: criteria provided, conflicting classifications (1 of 4 stars). 18 submissions from 17 submitters: Uncertain significance (2); Benign (10); Likely benign (4). 2 of the submissions do not count toward it. Last evaluated 2026-02-03.

Conditions:
Cardiovascular phenotype. Identifiers: MedGen CN230736.
Cardiomyopathy (CMYO). Also called: Cardiomyopathies. Identifiers: Orphanet 167848, MedGen C0878544, MONDO:0004994, HP:0001638. Inheritance: Various modes of inheritance.
Catecholaminergic polymorphic ventricular tachycardia 1. Also called: RYR2-Related Catecholaminergic Polymorphic Ventricular Tachycardia; VENTRICULAR TACHYCARDIA, CATECHOLAMINERGIC POLYMORPHIC, 1, WITH OR WITHOUT ATRIAL DYSFUNCTION AND/OR DILATED CARDIOMYOPATHY; VENTRICULAR TACHYCARDIA, STRESS-INDUCED POLYMORPHIC 1. Identifiers: Orphanet 3286, MedGen C1631597, MONDO:0011484, OMIM 604772.
Arrhythmogenic right ventricular dysplasia 2. Identifiers: MedGen C1832931.

Allele frequency attached by ClinVar (database versions not stated): gnomAD exomes 0.00016 and 0.00073; ESP Exome Variant Server 0.00017; TOPMed 0.00047; gnomAD 0.00048 and 0.00059; ExAC 0.00114; 1000 Genomes Project 30x 0.00156; 1000 Genomes Project 0.00240.
gnomAD v4.1: 411 of 1,538,886 alleles (0.027%); highest among the groups gnomAD compares: East Asian, 0.57%; 6 homozygotes.

Submissions (18):

Labcorp Genetics (formerly Invitae), Labcorp
Classification: Benign for Catecholaminergic polymorphic ventricular tachycardia 1. Last evaluated: 2026-02-03. Review status: criteria provided, single submitter. Criteria: Invitae Variant Classification Sherloc (09022015). Collection method: clinical testing. Allele origin: germline.

Molecular Diagnostic Laboratory for Inherited Cardiovascular Disease, Montreal Heart Institute
Classification: Likely benign. Last evaluated: 2025-04-09. Review status: criteria provided, single submitter. Criteria: ACMG Guidelines, 2015. Collection method: clinical testing. Allele origin: germline. Affected: no.

ARUP Laboratories, Molecular Genetics and Genomics, ARUP Laboratories
Classification: Benign. Last evaluated: 2025-04-03. Review status: criteria provided, single submitter. Criteria: ARUP Molecular Germline Variant Investigation Process 2024. Collection method: clinical testing. Allele origin: germline.

Blueprint Genetics
Classification: Likely benign. Last evaluated: 2024-11-19. Review status: criteria provided, single submitter. Criteria: ACMG Guidelines, 2015. Collection method: clinical testing. Allele origin: germline.

CeGaT Center for Human Genetics Tuebingen
Classification: Benign. Last evaluated: 2023-03-01. Review status: criteria provided, single submitter. Criteria: CeGaT Center For Human Genetics Tuebingen Variant Classification Criteria Version 2. Collection method: clinical testing. Allele origin: germline. Affected: yes. Observed: 1 variant allele.
Comment: RYR2: BP4, BS1, BS2

Color Diagnostics, LLC DBA Color Health
Classification: Benign for Cardiomyopathy. Last evaluated: 2018-03-05. Review status: criteria provided, single submitter. Criteria: ACMG Guidelines, 2015. Collection method: clinical testing. Allele origin: germline.

Illumina Laboratory Services, Illumina
Classification: Benign for Catecholaminergic polymorphic ventricular tachycardia 1. Last evaluated: 2018-01-13. Review status: criteria provided, single submitter. Criteria: ICSL Variant Classification Criteria 13 December 2019. Collection method: clinical testing. Allele origin: germline.
Comment: This variant was observed in the ICSL laboratory as part of a predisposition screen in an ostensibly healthy population. It had not been previously curated by ICSL or reported in the Human Gene Mutation Database (HGMD: prior to June 1st, 2018), and was therefore a candidate for classification through an automated scoring system. Utilizing variant allele frequency, disease prevalence and penetrance estimates, and inheritance mode, an automated score was calculated to assess if this variant is too frequent to cause the disease. Based on the score and internal cut-off values, a variant classified as benign is not then subjected to further curation. The score for this variant resulted in a classification of benign for this disease.

Illumina Laboratory Services, Illumina
Classification: Likely benign for Catecholaminergic polymorphic ventricular tachycardia 1. Last evaluated: 2018-01-13. Review status: criteria provided, single submitter. Criteria: ICSL Variant Classification Criteria 13 December 2019. Collection method: clinical testing. Allele origin: germline.
Comment: This variant was observed in the ICSL laboratory as part of a predisposition screen in an ostensibly healthy population. It had not been previously curated by ICSL or reported in the Human Gene Mutation Database (HGMD: prior to June 1st, 2018), and was therefore a candidate for classification through an automated scoring system. Utilizing variant allele frequency, disease prevalence and penetrance estimates, and inheritance mode, an automated score was calculated to assess if this variant is too frequent to cause the disease. Based on the score and internal cut-off values, a variant classified as likely benign is not then subjected to further curation. The score for this variant resulted in a classification of likely benign for this disease.

Women's Health and Genetics/Laboratory Corporation of America, LabCorp
Classification: Benign. Last evaluated: 2016-12-05. Review status: criteria provided, single submitter. Criteria: LabCorp Variant Classification Summary - May 2015. Collection method: clinical testing. Allele origin: germline.
Comment: Variant summary: The RYR2 c.10231-4T>C variant involves the alteration of a non-conserved intronic nucleotide. One in silico tool predicts a damaging outcome for this variant. 5/5 splice prediction tools predict no significant impact on normal splicing. This variant was found in 67/58520 control chromosomes (2 homozygotes) at a frequency of 0.0011449, which is approximately 21 times the estimated maximal expected allele frequency of a pathogenic RYR2 variant (0.000055), suggesting this variant is likely a benign polymorphism. In addition, multiple clinical diagnostic laboratories/reputable databases classified this variant as benign/likely benign. Taken together, this variant is classified as benign.

CHEO Genetics Diagnostic Laboratory, Children's Hospital of Eastern Ontario
Classification: Benign for Cardiomyopathy. Last evaluated: 2016-08-25. Review status: criteria provided, single submitter. Criteria: ACMG Guidelines, 2015. Collection method: clinical testing. Allele origin: germline. Study: Canadian Open Genetics Repository.

Ambry Genetics
Classification: Benign for Cardiovascular phenotype. Last evaluated: 2016-03-29. Review status: criteria provided, single submitter. Criteria: Ambry Variant Classification Scheme 2023. Collection method: clinical testing. Allele origin: germline.

Laboratory for Molecular Medicine, Mass General Brigham Personalized Medicine
Classification: Benign. Last evaluated: 2015-06-26. Review status: criteria provided, single submitter. Criteria: LMM Criteria. Collection method: clinical testing. Allele origin: germline. Observed: 4 variant alleles.
Comment: c.10231-4T>C in intron 70 of RYR2: This variant is not expected to have clinical significance because it is not located within the splice consensus sequence. It has been identified in 1.3% (61/4770) of East Asian chromosomes by the Exome Ag gregation Consortium (ExAC; dbSNP rs117180147).

GeneDx
Classification: Benign. Last evaluated: 2015-03-03. Review status: criteria provided, single submitter. Criteria: GeneDx Variant Classification Process June 2021. Collection method: clinical testing. Allele origin: germline. Affected: yes.
Comment: This variant is associated with the following publications: (PMID: 31337358)

Eurofins Ntd Llc (ga)
Classification: Uncertain significance. Last evaluated: 2013-11-26. Review status: criteria provided, single submitter. Criteria: EGL Classification Definitions 2015. Collection method: clinical testing. Allele origin: germline. Observed: 1 variant allele, 1 heterozygote.

PreventionGenetics, part of Exact Sciences
Classification: Likely benign. Review status: criteria provided, single submitter. Criteria: ACMG Guidelines, 2015. Collection method: clinical testing. Allele origin: germline.

Stanford Center for Inherited Cardiovascular Disease, Stanford University
Classification: Uncertain significance. Review status: criteria provided, single submitter. Criteria: ACMG Guidelines, 2015. Collection method: provider interpretation. Allele origin: germline.

Diagnostic Laboratory, Department of Genetics, University Medical Center Groningen
Classification: Likely benign. Review status: no assertion criteria provided. Collection method: clinical testing. Allele origin: germline. Affected: yes. Study: VKGL Data-share Consensus. Not counted in ClinVar's aggregate classification.

Genome Diagnostics Laboratory, University Medical Center Utrecht
Classification: Likely benign. Review status: no assertion criteria provided. Collection method: clinical testing. Allele origin: germline. Affected: yes. Study: VKGL Data-share Consensus. Not counted in ClinVar's aggregate classification.

NM_001035.3(RYR2):c.10231-4T>C

Gene: RYR2 (ryanodine receptor 2; plus strand). Cytogenetic location: 1q43.
Variant type: single nucleotide variant.
Coding change: c.10231-4T>C on transcript NM_001035.3 (MANE Select); 4 bases into the intron before coding-DNA position 10231, T replaced by C.
Molecular consequence: intron variant.
Genome position (GRCh38, 1-based): chr1:237,711,741, T>C. VCF-style: chr1-237711741-T-C. GRCh37 (hg19) VCF-style: chr1-237875041-T-C.
Identifiers: ClinVar variation 167631 (VCV000167631.70), dbSNP rs117180147, ClinGen allele CA006564.
Genomic context (GRCh38, chr1:237,711,741, plus strand): 5'-TAACCTCTAATTACAAAGACTTCTTTAAGTGGTTTTAACTGAAATTTCCTTTGCAACTTC[T>C]CAGAATTTCAAAAGAGAAGAGCAGAACTTCGTTGTACAGAATGAAATCAACAATATGTCT-3'